The following is an entry in ClinVar:

NM_004453.4(ETFDH):c.1400G>A (p.Gly467Glu)

Gene: ETFDH (electron transfer flavoprotein dehydrogenase; plus strand). Cytogenetic location: 4q32.1.
Variant type: single nucleotide variant.
Coding change: c.1400G>A on transcript NM_004453.4 (MANE Select); coding-DNA position 1400, G replaced by A.
Protein change: p.Gly467Glu; replaces glycine 467 with glutamic acid.
Molecular consequence: missense variant.
Genome position (GRCh38, 1-based): chr4:158,706,303, G>A. VCF-style: chr4-158706303-G-A. GRCh37 (hg19) VCF-style: chr4-159627455-G-A.
Other names: c.1259G>A, p.Gly420Glu (NM_001281737.2); c.1217G>A, p.Gly406Glu (NM_001281738.1); short protein forms G420E, G406E, G467E.
Identifiers: ClinVar variation 1977356 (VCV001977356.5), dbSNP rs1404406222, ClinGen allele CA358564494.
Genomic context (GRCh38, chr4:158,706,303, plus strand): 5'-AGCTATATTCTGTTAGAAATATAAGACCGTCCTGCCACGGAGTACTGGGTGTATATGGAG[G>A]GATGATTTACACTGGAATCTTTTACTGGATATTGAGAGGAATGGAGCCGTGGACTCTGAA-3'
Protein context (NP_004444.2, residues 457-477): SCHGVLGVYG[Gly467Glu]MIYTGIFYWI

ClinVar aggregate classification (germline): Likely pathogenic (1 of 4 stars; one submission).

Conditions:
Multiple acyl-CoA dehydrogenase deficiency (MADD). Also called: ETHYLMALONIC-ADIPICACIDURIA; GA II; Glutaric aciduria, type 2; Glutaric acidemia type II; GA 2; Glutaric Acidemia type 2. Identifiers: Orphanet 26791, MedGen C0268596, MONDO:0009282, OMIM 231680.

Allele frequency attached by ClinVar (database versions not stated): gnomAD exomes 0.00001.

Submission:

Labcorp Genetics (formerly Invitae), Labcorp
Classification: Likely pathogenic for Multiple acyl-CoA dehydrogenase deficiency. Last evaluated: 2023-06-17. Review status: criteria provided, single submitter. Criteria: Invitae Variant Classification Sherloc (09022015). Collection method: clinical testing. Allele origin: germline.
Comment: This sequence change replaces glycine, which is neutral and non-polar, with glutamic acid, which is acidic and polar, at codon 467 of the ETFDH protein (p.Gly467Glu). This variant is present in population databases (no rsID available, gnomAD 0.0009%). In summary, the currently available evidence indicates that the variant is pathogenic, but additional data are needed to prove that conclusively. Therefore, this variant has been classified as Likely Pathogenic. This variant disrupts the p.Gly467 amino acid residue in ETFDH. Other variant(s) that disrupt this residue have been determined to be pathogenic (PMID: 19265687, 19758981, 32393189). This suggests that this residue is clinically significant, and that variants that disrupt this residue are likely to be disease-causing. Advanced modeling of protein sequence and biophysical properties (such as structural, functional, and spatial information, amino acid conservation, physicochemical variation, residue mobility, and thermodynamic stability) has been performed at Invitae for this missense variant, however the output from this modeling did not meet the statistical confidence thresholds required to predict the impact of this variant on ETFDH protein function. ClinVar contains an entry for this variant (Variation ID: 1977356). This variant has not been reported in the literature in individuals affected with ETFDH-related conditions.

Literature cited by the submitters: PubMed 19265687; PubMed 19758981; PubMed 32393189.